The following is an entry in ClinVar:

NM_005502.4(ABCA1):c.1172C>A (p.Ala391Asp)

Gene: ABCA1 (ATP binding cassette subfamily A member 1; minus strand). Cytogenetic location: 9q31.1.
Variant type: single nucleotide variant.
Coding change: c.1172C>A on transcript NM_005502.4 (MANE Select); coding-DNA position 1172, C replaced by A.
Protein change: p.Ala391Asp; replaces alanine 391 with aspartic acid.
Molecular consequence: missense variant.
Genome position (GRCh38, 1-based): chr9:104,837,450, G>T on the plus strand (C>A on the coding strand, the complement: ABCA1 is on the minus strand). VCF-style: chr9-104837450-G-T. GRCh37 (hg19) VCF-style: chr9-107599731-G-T.
Other names: short protein forms A391D.
Identifiers: ClinVar variation 1739899 (VCV001739899.2), dbSNP rs2538200615, ClinGen allele CA374327732.

ClinVar aggregate classification (germline): Uncertain significance (1 of 4 stars; one submission).

Conditions:
Cardiovascular phenotype. Identifiers: MedGen CN230736.

Allele frequency attached by ClinVar (database versions not stated): gnomAD exomes below 0.00001.
gnomAD v4.1: 1 of 1,614,082 alleles (0.000062%); highest among the groups gnomAD compares: Non-Finnish European, 0.000085%; no homozygotes.

Submission:

Ambry Genetics
Classification: Uncertain significance for Cardiovascular phenotype. Last evaluated: 2021-11-28. Review status: criteria provided, single submitter. Criteria: Ambry Variant Classification Scheme 2023. Collection method: clinical testing. Allele origin: germline.
Comment: The p.A391D variant (also known as c.1172C>A), located in coding exon 9 of the ABCA1 gene, results from a C to A substitution at nucleotide position 1172. The alanine at codon 391 is replaced by aspartic acid, an amino acid with dissimilar properties. This amino acid position is conserved. In addition, the in silico prediction for this alteration is inconclusive. Since supporting evidence is limited at this time, the clinical significance of this alteration remains unclear.